The following is an entry in ClinVar:

NM_003184.4(TAF2):c.2411A>G (p.Asn804Ser)

Gene: TAF2 (TATA-box binding protein associated factor 2; minus strand). Cytogenetic location: 8q24.12.
Variant type: single nucleotide variant.
Coding change: c.2411A>G on transcript NM_003184.4 (MANE Select); coding-DNA position 2411, A replaced by G.
Protein change: p.Asn804Ser; replaces asparagine 804 with serine.
Molecular consequence: missense variant.
Genome position (GRCh38, 1-based): chr8:119,762,562, T>C on the plus strand (A>G on the coding strand, the complement: TAF2 is on the minus strand). VCF-style: chr8-119762562-T-C. GRCh37 (hg19) VCF-style: chr8-120774802-T-C.
Other names: short protein forms N804S.
Identifiers: ClinVar variation 1919386 (VCV001919386.5), dbSNP rs761829674, ClinGen allele CA4857075.

ClinVar aggregate classification (germline): Uncertain significance (1 of 4 stars; one submission).

Allele frequency attached by ClinVar (database versions not stated): gnomAD exomes below 0.00001; gnomAD 0.00001; TOPMed 0.00001; ExAC 0.00002.
gnomAD v4.1: 4 of 1,613,394 alleles (0.00025%); highest among the groups gnomAD compares: African/African-American, 0.0027%; no homozygotes.

Submission:

Labcorp Genetics (formerly Invitae), Labcorp
Classification: Uncertain significance. Last evaluated: 2022-06-16. Review status: criteria provided, single submitter. Criteria: Invitae Variant Classification Sherloc (09022015). Collection method: clinical testing. Allele origin: germline.
Comment: This sequence change replaces asparagine, which is neutral and polar, with serine, which is neutral and polar, at codon 804 of the TAF2 protein (p.Asn804Ser). This variant is present in population databases (rs761829674, gnomAD 0.003%). This variant has not been reported in the literature in individuals affected with TAF2-related conditions. Algorithms developed to predict the effect of missense changes on protein structure and function (SIFT, PolyPhen-2, Align-GVGD) all suggest that this variant is likely to be tolerated. In summary, the available evidence is currently insufficient to determine the role of this variant in disease. Therefore, it has been classified as a Variant of Uncertain Significance.